The following is an entry in ClinVar:

NM_000161.3(GCH1):c.626C>T (p.Thr209Ile)

Gene: GCH1 (GTP cyclohydrolase 1; minus strand). Cytogenetic location: 14q22.2.
Variant type: single nucleotide variant.
Coding change: c.626C>T on transcript NM_000161.3 (MANE Select); coding-DNA position 626, C replaced by T.
Protein change: p.Thr209Ile; replaces threonine 209 with isoleucine.
Molecular consequence: missense variant.
Genome position (GRCh38, 1-based): chr14:54,845,768, G>A on the plus strand (C>T on the coding strand, the complement: GCH1 is on the minus strand). VCF-style: chr14-54845768-G-A. GRCh37 (hg19) VCF-style: chr14-55312486-G-A.
Other names: c.626C>T, p.Thr209Ile (NM_001024024.2); c.626C>T, p.Thr209Met (NM_001024070.2, NM_001024071.2); short protein forms T209I, T209M.
Identifiers: ClinVar variation 493143 (VCV000493143.49), dbSNP rs141634133, ClinGen allele CA260544065.

ClinVar aggregate classification (germline): Uncertain significance. Review status: criteria provided, multiple submitters, no conflicts (2 of 4 stars). 3 submissions from 3 submitters: Uncertain significance (3). Last evaluated 2024-12-09.

Conditions:
Dystonia 5 (DRD). Also called: DYT-GCH1; Dystonia, DOPA-responsive, with or without hyperphenylalaninemia; DYSTONIA, PROGRESSIVE, WITH DIURNAL VARIATION; DYSTONIA-PARKINSONISM WITH DIURNAL FLUCTUATION; GTP Cyclohydrolase 1-Deficient Dopa-Responsive Dystonia. Identifiers: Orphanet 98808, MedGen C1851920, MONDO:0007495, OMIM 128230.
GTP cyclohydrolase I deficiency. Identifiers: MedGen C0268467, MONDO:0100184.

Allele frequency attached by ClinVar (database versions not stated): TOPMed 0.00002; ESP Exome Variant Server 0.00008.
gnomAD v4.1: 21 of 1,560,948 alleles (0.0013%); highest among the groups gnomAD compares: East Asian, 0.0045%; no homozygotes.

Submissions (3):

Women's Health and Genetics/Laboratory Corporation of America, LabCorp
Classification: Uncertain significance. Last evaluated: 2024-12-09. Review status: criteria provided, single submitter. Criteria: LabCorp Variant Classification Summary - May 2015. Collection method: clinical testing. Allele origin: germline.
Comment: Variant summary: GCH1 c.626C>T (p.Thr209Ile) results in a non-conservative amino acid change in the encoded protein sequence. Five of five in-silico tools predict a damaging effect of the variant on protein function. The variant allele was found at a frequency of 8e-06 in 251250 control chromosomes (gnomAD). The available data on variant occurrences in the general population are insufficient to allow any conclusion about variant significance. c.626C>T has been reported in the literature in an individual affected with early onset Parkinson's disease (Yoshino_2018, Daida_2019). These data do not allow any conclusion about variant significance. To our knowledge, no experimental evidence demonstrating an impact on protein function has been reported. The following publications have been ascertained in the context of this evaluation (PMID: 29948246, 31178337). ClinVar contains an entry for this variant (Variation ID: 493143). Based on the evidence outlined above, the variant was classified as uncertain significance.

Labcorp Genetics (formerly Invitae), Labcorp
Classification: Uncertain significance for GTP cyclohydrolase I deficiency; Dystonia 5. Last evaluated: 2023-11-25. Review status: criteria provided, single submitter. Criteria: Invitae Variant Classification Sherloc (09022015). Collection method: clinical testing. Allele origin: germline.
Comment: This sequence change replaces threonine, which is neutral and polar, with isoleucine, which is neutral and non-polar, at codon 209 of the GCH1 protein (p.Thr209Ile). This variant is present in population databases (rs141634133, gnomAD 0.002%). This missense change has been observed in individuals with clinical features of autosomal dominant GCH1-related conditions (PMID: 29948246, 31178337; Invitae). ClinVar contains an entry for this variant (Variation ID: 493143). An algorithm developed to predict the effect of missense changes on protein structure and function (PolyPhen-2) suggests that this variant is likely to be disruptive. This variant disrupts the p.Thr209 amino acid residue in GCH1. Other variant(s) that disrupt this residue have been observed in individuals with GCH1-related conditions (PMID: 18044725), which suggests that this may be a clinically significant amino acid residue. In summary, the available evidence is currently insufficient to determine the role of this variant in disease. Therefore, it has been classified as a Variant of Uncertain Significance.

CeGaT Center for Human Genetics Tuebingen
Classification: Uncertain significance. Last evaluated: 2017-10-01. Review status: criteria provided, single submitter. Criteria: CeGaT Center For Human Genetics Tuebingen Variant Classification Criteria Version 2. Collection method: clinical testing. Allele origin: germline. Affected: yes. Observed: 1 variant allele.

Literature cited by the submitters: PubMed 31178337 (cited by Women's Health and Genetics/Laboratory Corporation of America, LabCorp and Labcorp Genetics (formerly Invitae), Labcorp); PubMed 29948246 (cited by Women's Health and Genetics/Laboratory Corporation of America, LabCorp and Labcorp Genetics (formerly Invitae), Labcorp); PubMed 18044725 (cited by Labcorp Genetics (formerly Invitae), Labcorp).